The following is an entry in ClinVar:

ClinVar aggregate classification (germline): Uncertain significance (1 of 4 stars; one submission).

Conditions:
Hereditary cancer-predisposing syndrome. Also called: Neoplastic Syndromes, Hereditary; Tumor predisposition; Hereditary Cancer Syndrome; Hereditary neoplastic syndrome. Identifiers: Orphanet 140162, MedGen C0027672, MeSH D009386, MONDO:0015356.

Submission:

Ambry Genetics
Classification: Uncertain significance for Hereditary cancer-predisposing syndrome. Last evaluated: 2024-08-28. Review status: criteria provided, single submitter. Criteria: Ambry Variant Classification Scheme 2023. Collection method: clinical testing. Allele origin: germline.
Comment: The p.L38H variant (also known as c.113T>A), located in coding exon 1 of the RAD51C gene, results from a T to A substitution at nucleotide position 113. The leucine at codon 38 is replaced by histidine, an amino acid with similar properties. This amino acid position is conserved. In addition, the in silico prediction for this alteration is inconclusive. Based on the available evidence, the clinical significance of this variant remains unclear.

NM_058216.3(RAD51C):c.113T>A (p.Leu38His)

Gene: RAD51C (RAD51 paralog C; plus strand). Cytogenetic location: 17q22.
Variant type: single nucleotide variant.
Coding change: c.113T>A on transcript NM_058216.3 (MANE Select); coding-DNA position 113, T replaced by A.
Protein change: p.Leu38His; replaces leucine 38 with histidine.
Molecular consequence: missense variant. On other transcripts: non-coding transcript variant (1).
Genome position (GRCh38, 1-based): chr17:58,692,756, T>A. VCF-style: chr17-58692756-T-A. GRCh37 (hg19) VCF-style: chr17-56770117-T-A.
Other names: c.113T>A, p.Leu38His (NM_002876.4); short protein forms L38H.
Identifiers: ClinVar variation 3429715 (VCV003429715.1).